The following is an entry in ClinVar:

ClinVar aggregate classification (germline): Benign/Likely benign. Review status: criteria provided, multiple submitters, no conflicts (2 of 4 stars). 3 submissions from 3 submitters: Benign (1); Likely benign (2). Last evaluated 2026-01-14.

Allele frequency attached by ClinVar (database versions not stated): gnomAD exomes 0.00004; ExAC 0.00005; TOPMed 0.00006; gnomAD 0.00007; 1000 Genomes Project 0.00020; 1000 Genomes Project 30x 0.00031.
gnomAD v4.1: 115 of 1,614,186 alleles (0.0071%); highest among the groups gnomAD compares: Non-Finnish European, 0.0091%; no homozygotes.

Submissions (3):

Labcorp Genetics (formerly Invitae), Labcorp
Classification: Likely benign. Last evaluated: 2026-01-14. Review status: criteria provided, single submitter. Criteria: Invitae Variant Classification Sherloc (09022015). Collection method: clinical testing. Allele origin: germline.

Blueprint Genetics
Classification: Likely benign. Last evaluated: 2024-08-15. Review status: criteria provided, single submitter. Criteria: ACMG Guidelines, 2015. Collection method: clinical testing. Allele origin: germline.

GeneDx
Classification: Benign. Last evaluated: 2014-12-08. Review status: criteria provided, single submitter. Criteria: GeneDx Variant Classification (06012015). Collection method: clinical testing. Allele origin: germline. Affected: yes.
Comment: This variant is considered likely benign or benign based on one or more of the following criteria: it is a conservative change, it occurs at a poorly conserved position in the protein, it is predicted to be benign by multiple in silico algorithms, and/or has population frequency not consistent with disease.

NM_000391.4(TPP1):c.1383G>A (p.Val461=)

Gene: TPP1 (tripeptidyl peptidase 1; minus strand). Cytogenetic location: 11p15.4.
Variant type: single nucleotide variant.
Coding change: c.1383G>A on transcript NM_000391.4 (MANE Select); coding-DNA position 1383, G replaced by A.
Protein change: p.Val461=; no amino-acid change (valine 461 retained).
Molecular consequence: synonymous variant.
Genome position (GRCh38, 1-based): chr11:6,615,213, C>T on the plus strand (G>A on the coding strand, the complement: TPP1 is on the minus strand). VCF-style: chr11-6615213-C-T. GRCh37 (hg19) VCF-style: chr11-6636444-C-T.
Other names: p.V461V:GTG>GTA.
Identifiers: ClinVar variation 207555 (VCV000207555.13), dbSNP rs202190396, ClinGen allele CA319139.